The following is an entry in ClinVar:

ClinVar aggregate classification (germline): Conflicting classifications of pathogenicity. Review status: criteria provided, conflicting classifications (1 of 4 stars). 4 submissions from 4 submitters: Uncertain significance (3); Likely benign (1). Last evaluated 2026-08-26.

Conditions:
Inborn genetic diseases. Identifiers: MedGen C0950123, MeSH D030342.
RAI1-related disorder. Also called: RAI1-related condition.

Allele frequency attached by ClinVar (database versions not stated): gnomAD exomes below 0.00001; TOPMed 0.00002.
gnomAD v4.1: 1 of 1,613,368 alleles (0.000062%); highest among the groups gnomAD compares: Admixed American, 0.0017%; no homozygotes.

Submissions (4):

PreventionGenetics, part of Exact Sciences
Classification: Uncertain significance for RAI1-related condition. Last evaluated: 2026-08-26. Review status: criteria provided, single submitter. Criteria: ACMG Guidelines, 2015. Collection method: clinical testing. Allele origin: germline.
Comment: The RAI1 c.467A>G variant is predicted to result in the amino acid substitution p.Gln156Arg. To our knowledge, this variant has not been reported in the literature or in a large population database, indicating this variant is rare. A maternally inherited alternate missense change at the same amino acid position (p.Gln156His) has been reported in an individual with autism spectrum disorder (Table S2, Arteche-López et al. 2021. PubMed ID: 33921431). At this time, the clinical significance of this variant is uncertain due to the absence of conclusive functional and genetic evidence.

Labcorp Genetics (formerly Invitae), Labcorp
Classification: Likely benign. Last evaluated: 2025-12-16. Review status: criteria provided, single submitter. Criteria: Invitae Variant Classification Sherloc (09022015). Collection method: clinical testing. Allele origin: germline.

Ambry Genetics
Classification: Uncertain significance for Inborn genetic diseases. Last evaluated: 2024-04-05. Review status: criteria provided, single submitter. Criteria: Ambry Variant Classification Scheme 2023. Collection method: clinical testing. Allele origin: germline.

New York Genome Center
Classification: Uncertain significance. Last evaluated: 2019-12-02. Review status: criteria provided, single submitter. Criteria: NYGC Assertion Criteria 2020. Collection method: clinical testing. Allele origin: germline. Affected: yes. Observed: 1 heterozygote. Study: CSER-NYCKidSeq.

NM_030665.4(RAI1):c.467A>G (p.Gln156Arg)

Gene: RAI1 (retinoic acid induced 1; plus strand). Cytogenetic location: 17p11.2.
Variant type: single nucleotide variant.
Coding change: c.467A>G on transcript NM_030665.4 (MANE Select); coding-DNA position 467, A replaced by G.
Protein change: p.Gln156Arg; replaces glutamine 156 with arginine.
Molecular consequence: missense variant.
Genome position (GRCh38, 1-based): chr17:17,793,415, A>G. VCF-style: chr17-17793415-A-G. GRCh37 (hg19) VCF-style: chr17-17696729-A-G.
Other names: short protein forms Q156R.
Identifiers: ClinVar variation 978092 (VCV000978092.12), dbSNP rs977107435, ClinGen allele CA288367062.
Genomic context (GRCh38, chr17:17,793,415, plus strand): 5'-CAGGGGTGGCCAAGTATGATGAGAACTTGATGAAAAAGACAGCAGTGCCCCCCAGCAGGC[A>G]GTATGCAGAGCAGGGCGCCCAGGTGCCCTTTCGGACTCACTCCCTGCACGTCCAGCAGCC-3'
Protein context (NP_109590.3, residues 146-166): MKKTAVPPSR[Gln156Arg]YAEQGAQVPF